The following is an entry in ClinVar:

NM_003809.3(TNFSF12):c.276C>A (p.Arg92=)

Genes: TNFSF12 (TNF superfamily member 12; plus strand), TNFSF12-TNFSF13 (TNFSF12-TNFSF13 readthrough; plus strand). Cytogenetic location: 17p13.1.
Variant type: single nucleotide variant.
Coding change: c.276C>A on transcript NM_003809.3 (MANE Select); coding-DNA position 276, C replaced by A.
Protein change: p.Arg92=; no amino-acid change (arginine 92 retained).
Molecular consequence: synonymous variant. On other transcripts: non-coding transcript variant (1).
Genome position (GRCh38, 1-based): chr17:7,550,188, C>A. VCF-style: chr17-7550188-C-A. GRCh37 (hg19) VCF-style: chr17-7453505-C-A.
Other names: p.Arg92=; c.276C>A, p.Arg92= (NM_172089.4).
Identifiers: ClinVar variation 1166172 (VCV001166172.14), dbSNP rs62059804, ClinGen allele CA8350741.
Genomic context (GRCh38, chr17:7,550,188, plus strand): 5'-TCCCCAGACAGAAGAAAGCCAGGATCCTGCGCCTTTCCTGAACCGACTAGTTCGGCCTCG[C>A]AGAAGTGGTGAGCATCCCTCTATCCCAACCTCAGGAAGCGGGCAGAGCAAAAACCATTAT-3'
Protein context (NP_003800.1, residues 82-102): APFLNRLVRP[Arg92=]RSAPKGRKTR

ClinVar aggregate classification (germline): Benign. Review status: criteria provided, multiple submitters, no conflicts (2 of 4 stars). 5 submissions from 5 submitters: Benign (5). Last evaluated 2026-02-04.

Conditions:
Common variable immunodeficiency (CVID). Also called: Common variable hypogamma-globulinemia; Common variable agammaglobulinemia. Identifiers: Orphanet 1572, MedGen C0009447, MONDO:0015517.

Allele frequency attached by ClinVar (database versions not stated): 1000 Genomes Project 0.12220; 1000 Genomes Project 30x 0.12445; ExAC 0.18962; TOPMed 0.19388; gnomAD 0.20116 and 0.20757; gnomAD exomes 0.18801; ESP Exome Variant Server 0.21682.

Submissions (5):

Labcorp Genetics (formerly Invitae), Labcorp
Classification: Benign for Common variable immunodeficiency. Last evaluated: 2026-02-04. Review status: criteria provided, single submitter. Criteria: Invitae Variant Classification Sherloc (09022015). Collection method: clinical testing. Allele origin: germline.

Women's Health and Genetics/Laboratory Corporation of America, LabCorp
Classification: Benign. Last evaluated: 2026-01-21. Review status: criteria provided, single submitter. Criteria: LabCorp Variant Classification Summary - May 2015. Collection method: clinical testing. Allele origin: germline.

Unidad de Genómica Garrahan, Hospital de Pediatría Garrahan
Classification: Benign. Last evaluated: 2024-01-24. Review status: criteria provided, single submitter. Criteria: ACMG Guidelines, 2015. Collection method: clinical testing. Allele origin: germline. Affected: no. Observed: 26 variant alleles.
Comment: This variant is classified as Benign based on local population frequency. This variant was detected in 27% of patients studied by a panel of primary immunodeficiencies. Number of patients: 26. Only high quality variants are reported.

Mayo Clinic Laboratories, Mayo Clinic
Classification: Benign. Last evaluated: 2016-10-17. Review status: criteria provided, single submitter. Criteria: ACMG Guidelines, 2015. Collection method: clinical testing. Allele origin: germline. Observed: 44 variant alleles.

Breakthrough Genomics
Classification: Benign. Review status: criteria provided, single submitter. Criteria: ACMG Guidelines, 2015. Collection method: not provided. Allele origin: germline. Inheritance: Unknown mechanism. Affected: yes.